The following is an entry in ClinVar:

ClinVar aggregate classification (germline): Likely pathogenic (1 of 4 stars; one submission).

Conditions:
Monogenic hearing loss.

Submission:

Genetics Laboratory, Great Ormond Street Hospital NHS Foundation Trust, North Thames Genomic Laboratory Hub
Classification: Likely pathogenic for Monogenic hearing loss. Last evaluated: 2025-09-30. Review status: criteria provided, single submitter. Criteria: ACGS Best Practice Guidelines for Variant Classification in Rare Disease 2024 v1.2. Collection method: clinical testing. Allele origin: germline. Affected: yes.
Comment: PM2_moderate, PVS1_strong

NM_000441.2(SLC26A4):c.1334_1341+10del

Gene: SLC26A4 (solute carrier family 26 member 4; plus strand). Cytogenetic location: 7q22.3.
Variant type: Deletion.
Coding change: c.1334_1341+10del on transcript NM_000441.2 (MANE Select); coding-DNA position 1334 through 10 bases into the intron after coding-DNA position 1341, 18 bases deleted (TGCAGAAGGTATAACCCT).
Molecular consequence: splice donor variant.
Genome position (GRCh38, 1-based): chr7:107,694,473-107,694,490, TGCAGAAGGTATAACCCT deleted; deleting any 18 consecutive bases within chr7:107,694,467-107,694,490 gives the same sequence; the c. name uses the placement nearest the transcript's 3' end. VCF-style (leftmost placement, unchanged base first): chr7-107694466-GAACCCTTGCAGAAGGTAT-G. GRCh37 (hg19) VCF-style: chr7-107334911-GAACCCTTGCAGAAGGTAT-G.
Identifiers: ClinVar variation 4532197 (VCV004532197.1).
Genomic context (GRCh38, chr7:107,694,466, plus strand): 5'-GCTGGCATCATCTCTGCTGCGATTGTGATGATCGCCATTCTTGCCCTGGGGAAGCTTCTG[GAACCCTTGCAGAAGGTAT>G]AACCCTGCTTCTCTGCATACCGATTGCATAATTTCCCTTCACTACTCTGCTACCAGATAA-3'